The following is an entry in ClinVar:

ClinVar aggregate classification (germline): Likely benign (1 of 4 stars; one submission).

Allele frequency attached by ClinVar (database versions not stated): 1000 Genomes Project 30x 0.00172; 1000 Genomes Project 0.00200; TOPMed 0.00264; ESP Exome Variant Server 0.00285; gnomAD 0.00413.
gnomAD v4.1: 7,100 of 1,613,188 alleles (0.44%); highest among the groups gnomAD compares: Middle Eastern, 0.57%; 37 homozygotes.

Submission:

CeGaT Center for Human Genetics Tuebingen
Classification: Likely benign. Last evaluated: 2022-04-01. Review status: criteria provided, single submitter. Criteria: CeGaT Center For Human Genetics Tuebingen Variant Classification Criteria Version 2. Collection method: clinical testing. Allele origin: germline. Affected: yes. Observed: 1 variant allele.
Comment: PCDHB14: BP4, BP7

NM_018934.4(PCDHB14):c.1398C>T (p.Pro466=)

Genes: PCDHB14 (protocadherin beta 14; plus strand), PCDHB@ (protocadherin beta cluster; plus strand). Cytogenetic location: 5q31.3.
Variant type: single nucleotide variant.
Coding change: c.1398C>T on transcript NM_018934.4 (MANE Select); coding-DNA position 1398, C replaced by T.
Protein change: p.Pro466=; no amino-acid change (proline 466 retained).
Molecular consequence: synonymous variant.
Genome position (GRCh38, 1-based): chr5:141,224,903, C>T. VCF-style: chr5-141224903-C-T. GRCh37 (hg19) VCF-style: chr5-140604475-C-T.
Identifiers: ClinVar variation 2655835 (VCV002655835.24), dbSNP rs149933809, ClinGen allele CA3464642.